The following is an entry in ClinVar:

ClinVar aggregate classification (germline): Uncertain significance. Review status: criteria provided, multiple submitters, no conflicts (2 of 4 stars). 2 submissions from 2 submitters: Uncertain significance (2). Last evaluated 2023-04-05.

Conditions:
Autosomal recessive limb-girdle muscular dystrophy type 2W (MDRCMTT). Also called: Muscular dystrophy, limb-girdle, type 2W; Muscular dystrophy, autosomal recessive, with cardiomyopathy and triangular tongue. Identifiers: MedGen C4225192, MONDO:0014788, OMIM 616827.

Allele frequency attached by ClinVar (database versions not stated): TOPMed 0.00001; gnomAD 0.00002; gnomAD exomes 0.00002 and 0.00005; ExAC 0.00004.
gnomAD v4.1: 77 of 1,613,734 alleles (0.0048%); highest among the groups gnomAD compares: Non-Finnish European, 0.0062%; no homozygotes.

Submissions (2):

Revvity Omics, Revvity
Classification: Uncertain significance for Autosomal recessive limb-girdle muscular dystrophy type 2W. Last evaluated: 2023-04-05. Review status: criteria provided, single submitter. Criteria: ACMG Guidelines, 2015. Collection method: clinical testing. Allele origin: germline.

Labcorp Genetics (formerly Invitae), Labcorp
Classification: Uncertain significance for Autosomal recessive limb-girdle muscular dystrophy type 2W. Last evaluated: 2022-02-19. Review status: criteria provided, single submitter. Criteria: Invitae Variant Classification Sherloc (09022015). Collection method: clinical testing. Allele origin: germline.
Comment: In summary, the available evidence is currently insufficient to determine the role of this variant in disease. Therefore, it has been classified as a Variant of Uncertain Significance. ClinVar contains an entry for this variant (Variation ID: 648145). This variant has not been reported in the literature in individuals affected with LIMS2-related conditions. This variant is present in population databases (rs752899664, gnomAD 0.005%). This sequence change creates a premature translational stop signal (p.Tyr58*) in the LIMS2 gene. It is expected to result in an absent or disrupted protein product. However, the current clinical and genetic evidence is not sufficient to establish whether loss-of-function variants in LIMS2 cause disease.

NM_001161403.3(LIMS2):c.108C>A (p.Tyr36Ter)

Gene: LIMS2 (LIM zinc finger domain containing 2; minus strand). Cytogenetic location: 2q14.3.
Variant type: single nucleotide variant.
Coding change: c.108C>A on transcript NM_001161403.3 (MANE Select); coding-DNA position 108, C replaced by A.
Protein change: p.Tyr36Ter; replaces tyrosine 36 with a stop codon.
Molecular consequence: nonsense.
Genome position (GRCh38, 1-based): chr2:127,657,466, G>T on the plus strand (C>A on the coding strand, the complement: LIMS2 is on the minus strand). VCF-style: chr2-127657466-G-T. GRCh37 (hg19) VCF-style: chr2-128415040-G-T.
Other names: c.174C>A, p.Tyr58Ter (NM_001136037.4); c.93C>A, p.Tyr31Ter (NM_001161404.2); c.180C>A, p.Tyr60Ter (NM_017980.5); c.174C>A (NM_001136037.3); short protein forms Y36*, Y60*, Y31*, Y58*.
Identifiers: ClinVar variation 648145 (VCV000648145.9), dbSNP rs752899664, ClinGen allele CA1863569.